The following is an entry in ClinVar:

NM_001953.5(TYMP):c.867G>A (p.Glu289=)

Gene: TYMP (thymidine phosphorylase; minus strand). Cytogenetic location: 22q13.33.
Variant type: single nucleotide variant.
Coding change: c.867G>A on transcript NM_001953.5 (MANE Select); coding-DNA position 867, G replaced by A.
Protein change: p.Glu289=; no amino-acid change (glutamic acid 289 retained).
Molecular consequence: synonymous variant.
Genome position (GRCh38, 1-based): chr22:50,526,637, C>T on the plus strand (G>A on the coding strand, the complement: TYMP is on the minus strand). VCF-style: chr22-50526637-C-T. GRCh37 (hg19) VCF-style: chr22-50965066-C-T.
Other names: c.867G>A, p.Glu289= (NM_001113755.3, NM_001113756.3, NM_001257988.1 and 1 more transcripts).
Identifiers: ClinVar variation 1080680 (VCV001080680.31), dbSNP rs780319410, ClinGen allele CA10321546.

ClinVar aggregate classification (germline): Likely benign. Review status: criteria provided, multiple submitters, no conflicts (2 of 4 stars). 2 submissions from 2 submitters: Likely benign (2). Last evaluated 2023-12-02.

Allele frequency attached by ClinVar (database versions not stated): TOPMed below 0.00001; gnomAD 0.00001; gnomAD exomes 0.00001; ExAC 0.00015.
gnomAD v4.1: 14 of 1,570,508 alleles (0.00089%); highest among the groups gnomAD compares: East Asian, 0.0071%; no homozygotes.

Submissions (2):

Labcorp Genetics (formerly Invitae), Labcorp
Classification: Likely benign. Last evaluated: 2023-12-02. Review status: criteria provided, single submitter. Criteria: Invitae Variant Classification Sherloc (09022015). Collection method: clinical testing. Allele origin: germline.

CeGaT Center for Human Genetics Tuebingen
Classification: Likely benign. Last evaluated: 2023-11-01. Review status: criteria provided, single submitter. Criteria: CeGaT Center For Human Genetics Tuebingen Variant Classification Criteria Version 2. Collection method: clinical testing. Allele origin: germline. Affected: yes. Observed: 1 variant allele.
Comment: TYMP: BP4, BP7